The following is an entry in ClinVar:

ClinVar aggregate classification (germline): Uncertain significance (1 of 4 stars; one submission).

Conditions:
Polycystic kidney disease, adult type (PKD1). Also called: POLYCYSTIC KIDNEY DISEASE, ADULT, TYPE I; Polycystic Kidney, Autosomal Dominant; Polycystic Kidney Disease 1, Autosomal Dominant; Polycystic kidney disease 1; Polycystic kidney disease 1, severe; POLYCYSTIC KIDNEY DISEASE 1 WITH OR WITHOUT POLYCYSTIC LIVER DISEASE. Identifiers: MedGen C3149841, MONDO:0008263, OMIM 173900.

Submission:

MVZ Medizinische Genetik Mainz
Classification: Uncertain significance for Polycystic kidney disease, adult type. Last evaluated: 2024-12-05. Review status: criteria provided, single submitter. Criteria: UK Practice Guidelines For Variant Classification V4 01 2020. Collection method: clinical testing. Allele origin: germline. Inheritance: Autosomal dominant inheritance. Affected: yes. Observed: 1 variant allele.
Comment: ACMG Criteria: PM2_SUP,PP3,PP4

NM_001009944.3(PKD1):c.4838C>A (p.Ala1613Asp)

Gene: PKD1 (polycystin 1, transient receptor potential channel interacting; minus strand). Cytogenetic location: 16p13.3.
Variant type: single nucleotide variant.
Coding change: c.4838C>A on transcript NM_001009944.3 (MANE Select); coding-DNA position 4838, C replaced by A.
Protein change: p.Ala1613Asp; replaces alanine 1613 with aspartic acid.
Molecular consequence: missense variant.
Genome position (GRCh38, 1-based): chr16:2,110,329, G>T on the plus strand (C>A on the coding strand, the complement: PKD1 is on the minus strand). VCF-style: chr16-2110329-G-T. GRCh37 (hg19) VCF-style: chr16-2160330-G-T.
Other names: c.4838C>A, p.Ala1613Asp (NM_000296.4); short protein forms A1613D.
Identifiers: ClinVar variation 3392550 (VCV003392550.1).